The following is an entry in ClinVar:

ClinVar aggregate classification (germline): Pathogenic (1 of 4 stars; one submission).

Conditions:
Ataxia-telangiectasia syndrome (AT). Also called: AT, COMPLEMENTATION GROUP C; Ataxia telangiectasia (A-T); Cerebello-oculocutaneous telangiectasia; Immunodeficiency with ataxia telangiectasia; LOUIS-BAR SYNDROME; Ataxia-telangiectasia. Identifiers: Orphanet 100, MedGen C0004135, MONDO:0008840, OMIM 208900.

Submission:

Labcorp Genetics (formerly Invitae), Labcorp
Classification: Pathogenic for Ataxia-telangiectasia syndrome. Last evaluated: 2019-08-28. Review status: criteria provided, single submitter. Criteria: Invitae Variant Classification Sherloc (09022015). Collection method: clinical testing. Allele origin: germline.
Comment: For these reasons, this variant has been classified as Pathogenic. Loss-of-function variants in ATM are known to be pathogenic (PMID: 23807571, 25614872). This variant has not been reported in the literature in individuals with ATM-related conditions. This variant is not present in population databases (ExAC no frequency). This sequence change creates a premature translational stop signal (p.Leu1206Phefs*23) in the ATM gene. It is expected to result in an absent or disrupted protein product.

Literature cited by the submitters: PubMed 23807571; PubMed 25614872.

NM_000051.4(ATM):c.3617dup (p.Leu1206fs)

Gene: ATM (ATM serine/threonine kinase; plus strand). Cytogenetic location: 11q22.3.
Variant type: Duplication.
Coding change: c.3617dup on transcript NM_000051.4 (MANE Select); coding-DNA position 3617, one base duplicated (T; older notation c.3617dupT).
Protein change: p.Leu1206fs; shifts the reading frame from leucine 1206.
Molecular consequence: frameshift variant.
Genome position (GRCh38, 1-based): chr11:108,282,750, T duplicated; the last of 3 consecutive T bases (chr11:108,282,748-108,282,750); duplicating any one gives the same sequence. VCF-style (leftmost placement, unchanged base first): chr11-108282747-G-GT. GRCh37 (hg19) VCF-style: chr11-108153474-G-GT.
Other names: c.3617dup, p.Leu1206fs (NM_001351834.2); short protein forms L1206fs.
Identifiers: ClinVar variation 960373 (VCV000960373.7), dbSNP rs2082297073, ClinGen allele CA1139662227.